The following is an entry in ClinVar:

ClinVar aggregate classification (germline): Uncertain significance. Review status: criteria provided, multiple submitters, no conflicts (2 of 4 stars). 2 submissions from 2 submitters: Uncertain significance (2). Last evaluated 2024-08-05.

Allele frequency attached by ClinVar (database versions not stated): gnomAD exomes 0.00001 and 0.00002; ExAC 0.00002; gnomAD 0.00005 and 0.00006; TOPMed 0.00007; ESP Exome Variant Server 0.00023.
gnomAD v4.1: 18 of 1,613,816 alleles (0.0011%); highest among the groups gnomAD compares: African/African-American, 0.019%; no homozygotes.

Submissions (2):

Labcorp Genetics (formerly Invitae), Labcorp
Classification: Uncertain significance. Last evaluated: 2024-08-05. Review status: criteria provided, single submitter. Criteria: Invitae Variant Classification Sherloc (09022015). Collection method: clinical testing. Allele origin: germline.
Comment: This sequence change replaces glutamic acid, which is acidic and polar, with glutamine, which is neutral and polar, at codon 752 of the IMPG2 protein (p.Glu752Gln). This variant is present in population databases (rs144965772, gnomAD 0.01%). This variant has not been reported in the literature in individuals affected with IMPG2-related conditions. ClinVar contains an entry for this variant (Variation ID: 1392110). Advanced modeling of protein sequence and biophysical properties (such as structural, functional, and spatial information, amino acid conservation, physicochemical variation, residue mobility, and thermodynamic stability) performed at Invitae indicates that this missense variant is not expected to disrupt IMPG2 protein function with a negative predictive value of 80%. In summary, the available evidence is currently insufficient to determine the role of this variant in disease. Therefore, it has been classified as a Variant of Uncertain Significance.

Blueprint Genetics
Classification: Uncertain significance. Last evaluated: 2022-09-22. Review status: criteria provided, single submitter. Criteria: ACMG Guidelines, 2015. Collection method: clinical testing. Allele origin: germline.

NM_016247.4(IMPG2):c.2254G>C (p.Glu752Gln)

Gene: IMPG2 (interphotoreceptor matrix proteoglycan 2; minus strand). Cytogenetic location: 3q12.3.
Variant type: single nucleotide variant.
Coding change: c.2254G>C on transcript NM_016247.4 (MANE Select); coding-DNA position 2254, G replaced by C.
Protein change: p.Glu752Gln; replaces glutamic acid 752 with glutamine.
Molecular consequence: missense variant.
Genome position (GRCh38, 1-based): chr3:101,244,077, C>G on the plus strand (G>C on the coding strand, the complement: IMPG2 is on the minus strand). VCF-style: chr3-101244077-C-G. GRCh37 (hg19) VCF-style: chr3-100962921-C-G.
Other names: short protein forms E752Q.
Identifiers: ClinVar variation 1392110 (VCV001392110.6), dbSNP rs144965772, ClinGen allele CA2519010.
Genomic context (GRCh38, chr3:101,244,077, plus strand): 5'-TTTGCATATCTGGCTTTACCATTGAAACCTCACTGTCAAACCATTCATAGTTGGATGACT[C>G]AGTAATTTGTTCCATATCCTCCCTTAGGATGGCATCTGCCTGATCTGATTTATCAGTAGA-3'
Protein context (NP_057331.2, residues 742-762): ILREDMEQIT[Glu752Gln]SSNYEWFDSE